The following is an entry in ClinVar:

ClinVar aggregate classification (germline): Pathogenic (1 of 4 stars; one submission).

Conditions:
Familial adenomatous polyposis 1 (FAP1). Also called: FAMILIAL ADENOMATOUS POLYPOSIS 1, ATTENUATED; POLYPOSIS, ADENOMATOUS INTESTINAL. Identifiers: MedGen C2713442, MONDO:0021056, OMIM 175100. Disease mechanism: loss of function.

Submission:

Labcorp Genetics (formerly Invitae), Labcorp
Classification: Pathogenic for Familial adenomatous polyposis 1. Last evaluated: 2018-10-31. Review status: criteria provided, single submitter. Criteria: Invitae Variant Classification Sherloc (09022015). Collection method: clinical testing. Allele origin: germline.
Comment: For these reasons, this variant has been classified as Pathogenic. A different truncation (p.Tyr2645Lysfs*14) that lies downstream of this variant has been determined to be pathogenic (PMID: 9824584, 1316610, 27081525, 8381579, 22135120, Invitae). This suggests that deletion of this region of the APC protein is causative of disease. This variant is expected to disrupt the EB1 and HDLG binding sites, which mediate interactions with the cytoskeleton (PMID: 15311282, 17293347). While functional studies have not been performed to directly test the effect on APC protein function, this suggests that disruption of the C-terminal portion of the protein is functionally important. This variant has not been reported in the literature in individuals with APC-related disease. This variant is not present in population databases (ExAC no frequency). This sequence change results in a premature translational stop signal in the APC gene (p.Gly839*). While this is not anticipated to result in nonsense mediated decay, it is expected to disrupt the last 2005 amino acids of the APC protein.

Literature cited by the submitters: PubMed 9824584; PubMed 1316610; PubMed 27081525; PubMed 8381579; PubMed 22135120; PubMed 15311282; PubMed 17293347.

NM_000038.6(APC):c.2424_2514dup (p.Gly839Ter)

Gene: APC (APC regulator of Wnt signaling pathway; plus strand). Cytogenetic location: 5q22.2.
Variant type: Duplication.
Coding change: c.2424_2514dup on transcript NM_000038.6 (MANE Select); coding-DNA positions 2424 to 2514, 91 bases duplicated.
Protein change: p.Gly839Ter; replaces glycine 839 with a stop codon.
Molecular consequence: nonsense.
Genome position (GRCh38, 1-based): chr5:112,838,018-112,838,108, 91 bases duplicated. GRCh37 (hg19): chr5:112,173,715-112,173,805.
Other names: c.2424_2514dup, p.Gly839Ter (NM_001127510.3, NM_001354895.2); c.2370_2460dup, p.Gly821Ter (NM_001127511.3); c.2478_2568dup, p.Gly857Ter (NM_001354896.2); c.2454_2544dup, p.Gly849Ter (NM_001354897.2); c.2349_2439dup, p.Gly814Ter (NM_001354898.2); c.2340_2430dup, p.Gly811Ter (NM_001354899.2); c.2301_2391dup, p.Gly798Ter (NM_001354900.2); c.2247_2337dup, p.Gly780Ter (NM_001354901.2); and 5 more; short protein forms G713*, G780*, G821*, G556*, G849*, G857*, G679*, G738*.
Identifiers: ClinVar variation 656610 (VCV000656610.10), dbSNP rs1580621917, ClinGen allele CA915942618.